The following is an entry in ClinVar:

ClinVar aggregate classification (germline): Uncertain significance (1 of 4 stars; one submission).

Submission:

GeneDx
Classification: Uncertain significance. Last evaluated: 2024-09-09. Review status: criteria provided, single submitter. Criteria: GeneDx Variant Classification Process June 2021. Collection method: clinical testing. Allele origin: germline. Affected: yes.
Comment: Not observed at significant frequency in large population cohorts (gnomAD); In silico analysis supports that this missense variant has a deleterious effect on protein structure/function; Has not been previously published as pathogenic or benign to our knowledge

NM_000834.5(GRIN2B):c.758G>A (p.Gly253Asp)

Gene: GRIN2B (glutamate ionotropic receptor NMDA type subunit 2B; minus strand). Cytogenetic location: 12p13.1.
Variant type: single nucleotide variant.
Coding change: c.758G>A on transcript NM_000834.5 (MANE Select); coding-DNA position 758, G replaced by A.
Protein change: p.Gly253Asp; replaces glycine 253 with aspartic acid.
Molecular consequence: missense variant.
Genome position (GRCh38, 1-based): chr12:13,753,569, C>T on the plus strand (G>A on the coding strand, the complement: GRIN2B is on the minus strand). VCF-style: chr12-13753569-C-T. GRCh37 (hg19) VCF-style: chr12-13906503-C-T.
Other names: c.758G>A, p.Gly253Asp (NM_001413992.1, NM_001413993.1, NM_001413994.1 and 1 more transcripts); short protein forms G253D.
Identifiers: ClinVar variation 3767580 (VCV003767580.1).
Genomic context (GRCh38, chr12:13,753,569, plus strand): 5'-AACTCCGCAGGCACTGTGTCTGTATCCCCTGCCACCAGACTGGGCACGATCCACGTGTAG[C>T]CATAGCCAGTCAGCCCTACTGAGTTGGCCACTTCAAAGATGTAGGTGGCTTCTTCCTTGG-3'
Protein context (NP_000825.2, residues 243-263): VANSVGLTGY[Gly253Asp]YTWIVPSLVA